The following is an entry in ClinVar:

NM_000051.4(ATM):c.7349_7351del (p.Leu2450_Ala2451delinsSer)

Genes: ATM (ATM serine/threonine kinase; plus strand), C11orf65 (chromosome 11 open reading frame 65; minus strand). Cytogenetic location: 11q22.3.
Variant type: Deletion.
Coding change: c.7349_7351del on transcript NM_000051.4 (MANE Select); coding-DNA positions 7349 to 7351, 3 bases deleted (TAG; older notation c.7349_7351delTAG).
Protein change: p.Leu2450_Ala2451delinsSer.
Molecular consequence: inframe indel. On other transcripts: intron variant (2).
Genome position (GRCh38, 1-based): chr11:108,330,255-108,330,257, TAG deleted. VCF-style (leftmost placement, unchanged base first): chr11-108330254-TTAG-T. GRCh37 (hg19) VCF-style: chr11-108200981-TTAG-T.
Other names: c.7349_7351del, p.Leu2450_Ala2451delinsSer (NM_001351834.2); c.641-21186_641-21184del (NM_001330368.2); c.*38+4963_*38+4965del (NM_001351110.2).
Identifiers: ClinVar variation 2706027 (VCV002706027.3), dbSNP rs2547261154, ClinGen allele CA2697556951.
Genomic context (GRCh38, chr11:108,330,254, plus strand): 5'-CCTTAATTATTCTATGCAAGATACACAGTAAAGGTTCAGCGAGAGCTGGAGTTGGATGAA[TTAG>T]CCCTGCGTGCACTGAAAGAGGATCGTAAACGCTTCTTATGTAAAGCAGTTGAAAATTATA-3'

ClinVar aggregate classification (germline): Uncertain significance (1 of 4 stars; one submission).

Conditions:
Ataxia-telangiectasia syndrome (AT). Also called: LOUIS-BAR SYNDROME; Cerebello-oculocutaneous telangiectasia; Immunodeficiency with ataxia telangiectasia; Ataxia telangiectasia (A-T); Ataxia-telangiectasia, complementation group D; AT, COMPLEMENTATION GROUP C. Identifiers: Orphanet 100, MedGen C0004135, MONDO:0008840, OMIM 208900.

Submission:

Labcorp Genetics (formerly Invitae), Labcorp
Classification: Uncertain significance for Ataxia-telangiectasia syndrome. Last evaluated: 2023-12-28. Review status: criteria provided, single submitter. Criteria: Invitae Variant Classification Sherloc (09022015). Collection method: clinical testing. Allele origin: germline.
Comment: This variant, c.7349_7351del, is a complex sequence change that results in the deletion of 2 and insertion of 1 amino acid(s) in the ATM protein (p.Leu2450_Ala2451delinsSer). This variant is not present in population databases (gnomAD no frequency). This variant has not been reported in the literature in individuals affected with ATM-related conditions. In summary, the available evidence is currently insufficient to determine the role of this variant in disease. Therefore, it has been classified as a Variant of Uncertain Significance.